The following is an entry in ClinVar:

NM_001184.4(ATR):c.2845C>T (p.Leu949Phe)

Gene: ATR (ATR checkpoint kinase; minus strand). Cytogenetic location: 3q23.
Variant type: single nucleotide variant.
Coding change: c.2845C>T on transcript NM_001184.4 (MANE Select); coding-DNA position 2845, C replaced by T.
Protein change: p.Leu949Phe; replaces leucine 949 with phenylalanine.
Molecular consequence: missense variant.
Genome position (GRCh38, 1-based): chr3:142,550,263, G>A on the plus strand (C>T on the coding strand, the complement: ATR is on the minus strand). VCF-style: chr3-142550263-G-A. GRCh37 (hg19) VCF-style: chr3-142269105-G-A.
Other names: c.2653C>T, p.Leu885Phe (NM_001354579.2); short protein forms L949F, L885F.
Identifiers: ClinVar variation 1796766 (VCV001796766.2), dbSNP rs2473367595, ClinGen allele CA354813254.

ClinVar aggregate classification (germline): Uncertain significance (1 of 4 stars; one submission).

Conditions:
Inborn genetic diseases. Identifiers: MedGen C0950123, MeSH D030342.

Submission:

Ambry Genetics
Classification: Uncertain significance for Inborn genetic diseases. Last evaluated: 2022-07-19. Review status: criteria provided, single submitter. Criteria: Ambry Variant Classification Scheme 2023. Collection method: clinical testing. Allele origin: germline.
Comment: The p.L949F variant (also known as c.2845C>T), located in coding exon 14 of the ATR gene, results from a C to T substitution at nucleotide position 2845. The leucine at codon 949 is replaced by phenylalanine, an amino acid with highly similar properties. This amino acid position is conserved. In addition, this alteration is predicted to be tolerated by in silico analysis. Since supporting evidence is limited at this time, the clinical significance of this alteration remains unclear.